The following is an entry in ClinVar:

NM_001130144.3(LTBP3):c.932G>A (p.Trp311Ter)

Gene: LTBP3 (latent transforming growth factor beta binding protein 3; minus strand). Cytogenetic location: 11q13.1.
Variant type: single nucleotide variant.
Coding change: c.932G>A on transcript NM_001130144.3 (MANE Select); coding-DNA position 932, G replaced by A.
Protein change: p.Trp311Ter; replaces tryptophan 311 with a stop codon.
Molecular consequence: nonsense.
Genome position (GRCh38, 1-based): chr11:65,553,463, C>T on the plus strand (G>A on the coding strand, the complement: LTBP3 is on the minus strand). VCF-style: chr11-65553463-C-T. GRCh37 (hg19) VCF-style: chr11-65320934-C-T.
Other names: c.581G>A, p.Trp194Ter (NM_001164266.1); c.932G>A, p.Trp311Ter (NM_021070.4); short protein forms W311*, W194*.
Identifiers: ClinVar variation 1441073 (VCV001441073.6), dbSNP rs2135157363, ClinGen allele CA381275172.

ClinVar aggregate classification (germline): Pathogenic (1 of 4 stars; one submission).

Conditions:
Brachyolmia-amelogenesis imperfecta syndrome. Also called: PLATYSPONDYLY WITH AMELOGENESIS IMPERFECTA; Tooth agenesis, selective, 6; Dental anomalies and short stature. Identifiers: Orphanet 2899, MedGen C1832594, MONDO:0011018, OMIM 601216. Disease mechanism: loss of function.

Submission:

Labcorp Genetics (formerly Invitae), Labcorp
Classification: Pathogenic for Brachyolmia-amelogenesis imperfecta syndrome. Last evaluated: 2021-10-15. Review status: criteria provided, single submitter. Criteria: Invitae Variant Classification Sherloc (09022015). Collection method: clinical testing. Allele origin: germline.
Comment: For these reasons, this variant has been classified as Pathogenic. This variant has not been reported in the literature in individuals affected with LTBP3-related conditions. This variant is not present in population databases (ExAC no frequency). This sequence change creates a premature translational stop signal (p.Trp311*) in the LTBP3 gene. It is expected to result in an absent or disrupted protein product. Loss-of-function variants in LTBP3 are known to be pathogenic (PMID: 11790802, 19344874, 25669657).

Literature cited by the submitters: PubMed 11790802; PubMed 19344874; PubMed 25669657.